The following is an entry in ClinVar:

NM_000088.4(COL1A1):c.433G>A (p.Gly145Arg)

Gene: COL1A1 (collagen type I alpha 1 chain; minus strand). Cytogenetic location: 17q21.33.
Variant type: single nucleotide variant.
Coding change: c.433G>A on transcript NM_000088.4 (MANE Select); coding-DNA position 433, G replaced by A.
Protein change: p.Gly145Arg; replaces glycine 145 with arginine.
Molecular consequence: missense variant.
Genome position (GRCh38, 1-based): chr17:50,199,264, C>T on the plus strand (G>A on the coding strand, the complement: COL1A1 is on the minus strand). VCF-style: chr17-50199264-C-T. GRCh37 (hg19) VCF-style: chr17-48276625-C-T.
Other names: short protein forms G145R.
Identifiers: ClinVar variation 961205 (VCV000961205.13), dbSNP rs1907850821, ClinGen allele CA400227343.

ClinVar aggregate classification (germline): Uncertain significance. Review status: criteria provided, multiple submitters, no conflicts (2 of 4 stars). 3 submissions from 3 submitters: Uncertain significance (3). Last evaluated 2026-06-25.

Conditions:
Osteogenesis imperfecta type I (OI1). Also called: OI, TYPE I; OSTEOGENESIS IMPERFECTA TARDA; OSTEOGENESIS IMPERFECTA WITH BLUE SCLERAE; Lobstein's Disease; Classic Non-deforming Osteogenesis Imperfecta with Blue Sclerae; Lobstein disease. Identifiers: Orphanet 216796, Orphanet 666, MedGen C0023931, MONDO:0008146, OMIM 166200. Disease mechanism: loss of function.
Cardiovascular phenotype. Identifiers: MedGen CN230736.

Allele frequency attached by ClinVar (database versions not stated): gnomAD exomes below 0.00001.
gnomAD v4.1: 1 of 1,498,816 alleles (0.000067%); highest among the groups gnomAD compares: Non-Finnish European, 0.000089%; no homozygotes.

Submissions (3):

Ambry Genetics
Classification: Uncertain significance for Cardiovascular phenotype. Last evaluated: 2026-06-25. Review status: criteria provided, single submitter. Criteria: Ambry Variant Classification Scheme 2023. Collection method: clinical testing. Allele origin: germline.
Comment: The c.433G>A (p.G145R) alteration is located in exon 5 (coding exon 5) of the COL1A1 gene. This alteration results from a G to A substitution at nucleotide position 433, causing the glycine (G) at amino acid position 145 to be replaced by an arginine (R). This variant was not reported in population-based cohorts in the Genome Aggregation Database (gnomAD). This amino acid position is highly conserved in available vertebrate species. This alteration is predicted to be deleterious by in silico analysis. Based on insufficient or conflicting evidence, the clinical significance of this alteration remains unclear.

GeneDx
Classification: Uncertain significance. Last evaluated: 2022-09-26. Review status: criteria provided, single submitter. Criteria: GeneDx Variant Classification Process June 2021. Collection method: clinical testing. Allele origin: germline. Affected: yes.
Comment: Not observed at significant frequency in large population cohorts (gnomAD); In silico analysis supports that this missense variant has a deleterious effect on protein structure/function; Has not been previously published as pathogenic or benign to our knowledge; Not located in the triple helical region, where the majority of pathogenic missense variants occur (HGMD)

Labcorp Genetics (formerly Invitae), Labcorp
Classification: Uncertain significance for Osteogenesis imperfecta type I. Last evaluated: 2019-10-20. Review status: criteria provided, single submitter. Criteria: Invitae Variant Classification Sherloc (09022015). Collection method: clinical testing. Allele origin: germline.
Comment: Algorithms developed to predict the effect of sequence changes on RNA splicing suggest that this variant may create or strengthen a splice site, but this prediction has not been confirmed by published transcriptional studies. In summary, the available evidence is currently insufficient to determine the role of this variant in disease. Therefore, it has been classified as a Variant of Uncertain Significance. This variant has not been reported in the literature in individuals with COL1A1-related conditions. The frequency data for this variant in the population databases is considered unreliable, as metrics indicate insufficient coverage at this position in the ExAC database. This sequence change replaces glycine with arginine at codon 145 of the COL1A1 protein (p.Gly145Arg). The glycine residue is highly conserved and there is a moderate physicochemical difference between glycine and arginine.